The following is an entry in ClinVar:

ClinVar aggregate classification (germline): Pathogenic (1 of 4 stars; one submission).

Conditions:
Hereditary cancer-predisposing syndrome. Also called: Neoplastic Syndromes, Hereditary; Tumor predisposition; Hereditary Cancer Syndrome; Hereditary neoplastic syndrome. Identifiers: Orphanet 140162, MedGen C0027672, MeSH D009386, MONDO:0015356.

Submission:

Ambry Genetics
Classification: Pathogenic for Hereditary cancer-predisposing syndrome. Last evaluated: 2021-11-12. Review status: criteria provided, single submitter. Criteria: Ambry Variant Classification Scheme 2023. Collection method: clinical testing. Allele origin: germline.
Comment: The c.2253dupT pathogenic mutation, located in coding exon 10 of the BRCA2 gene, results from a duplication of T at nucleotide position 2253, causing a translational frameshift with a predicted alternate stop codon (p.D752*). This variant is considered to be rare based on population cohorts in the Genome Aggregation Database (gnomAD). This alteration is expected to result in loss of function by premature protein truncation or nonsense-mediated mRNA decay. As such, this alteration is interpreted as a disease-causing mutation.

NM_000059.4(BRCA2):c.2253dup (p.Asp752Ter)

Gene: BRCA2 (BRCA2 DNA repair associated; plus strand). Cytogenetic location: 13q13.1.
Variant type: Duplication.
Coding change: c.2253dup on transcript NM_000059.4 (MANE Select); coding-DNA position 2253, one base duplicated (T; older notation c.2253dupT).
Protein change: p.Asp752Ter; replaces aspartic acid 752 with a stop codon.
Molecular consequence: nonsense.
Genome position (GRCh38, 1-based): chr13:32,336,608, T duplicated. VCF-style (leftmost placement, unchanged base first): chr13-32336607-C-CT. GRCh37 (hg19) VCF-style: chr13-32910744-C-CT.
Other names: short protein forms D752*.
Identifiers: ClinVar variation 1788475 (VCV001788475.2), dbSNP rs2548523500, ClinGen allele CA658761156.